The following is an entry in ClinVar:

NM_001105244.2(PTPRM):c.4194G>C (p.Thr1398=)

Gene: PTPRM (protein tyrosine phosphatase receptor type M; plus strand). Cytogenetic location: 18p11.23.
Variant type: single nucleotide variant.
Coding change: c.4194G>C on transcript NM_001105244.2 (MANE Select); coding-DNA position 4194, G replaced by C.
Protein change: p.Thr1398=; no amino-acid change (threonine 1398 retained).
Molecular consequence: synonymous variant.
Genome position (GRCh38, 1-based): chr18:8,387,221, G>C. VCF-style: chr18-8387221-G-C. GRCh37 (hg19) VCF-style: chr18-8387219-G-C.
Other names: c.3516G>C, p.Thr1172= (NM_001378142.1); c.3555G>C, p.Thr1185= (NM_001378143.1); c.3591G>C, p.Thr1197= (NM_001378144.1); c.3630G>C, p.Thr1210= (NM_001378145.1); c.3606G>C, p.Thr1202= (NM_001378146.1); c.3681G>C, p.Thr1227= (NM_001378147.1); c.4155G>C, p.Thr1385= (NM_002845.4).
Identifiers: ClinVar variation 3059080 (VCV003059080.2), dbSNP rs593950, ClinGen allele CA8884990.

ClinVar aggregate classification (germline): Benign (0 of 4 stars; one submission).

Conditions:
PTPRM-related disorder. Also called: PTPRM-related condition.

Allele frequency attached by ClinVar (database versions not stated): ESP Exome Variant Server 0.72851; 1000 Genomes Project 0.73782; 1000 Genomes Project 30x 0.73969; TOPMed 0.74784.
gnomAD v4.1: 1,192,578 of 1,612,226 alleles (74%); highest among the groups gnomAD compares: Admixed American, 84%; 442,414 homozygotes.

Submission:

PreventionGenetics, part of Exact Sciences
Classification: Benign for PTPRM-related condition. Last evaluated: 2019-10-17. Review status: no assertion criteria provided. Collection method: clinical testing. Allele origin: germline.
Comment: This variant is classified as benign based on ACMG/AMP sequence variant interpretation guidelines (Richards et al. 2015 PMID: 25741868, with internal and published modifications).